The following is an entry in ClinVar:

NM_001386298.1(CIC):c.7456C>T (p.Pro2486Ser)

Gene: CIC (capicua transcriptional repressor; plus strand). Cytogenetic location: 19q13.2.
Variant type: single nucleotide variant.
Coding change: c.7456C>T on transcript NM_001386298.1 (MANE Select); coding-DNA position 7456, C replaced by T.
Protein change: p.Pro2486Ser; replaces proline 2486 with serine.
Molecular consequence: missense variant.
Genome position (GRCh38, 1-based): chr19:42,295,093, C>T. VCF-style: chr19-42295093-C-T. GRCh37 (hg19) VCF-style: chr19-42799245-C-T.
Other names: c.7456C>T, p.Pro2486Ser (NM_001304815.2); c.7453C>T, p.Pro2485Ser (NM_001379480.1, NM_001379482.1, NM_001379483.1); c.4723C>T, p.Pro1575Ser (NM_001379484.1); c.4720C>T, p.Pro1574Ser (NM_001379485.1); c.4729C>T, p.Pro1577Ser (NM_015125.5); short protein forms P1574S, P1575S, P1577S, P2485S, P2486S.
Identifiers: ClinVar variation 2633466 (VCV002633466.1), dbSNP rs2514110684, ClinGen allele CA406125601.
Genomic context (GRCh38, chr19:42,295,093, plus strand): 5'-CCTGACCCCACCTCACCCAGCTCGGACTCTGGCACGGCCCAGGCTGCCCCGCCACTGCCT[C>T]CACCCCCAGAGTCGGGGCCTGGACAGCCTGGCTGGGAGGGGGCTCCCCAGCCCTCCCCCC-3'
Protein context (NP_001373227.1, residues 2476-2496): GTAQAAPPLP[Pro2486Ser]PPESGPGQPG

ClinVar aggregate classification (germline): Uncertain significance (1 of 4 stars; one submission).

Conditions:
CIC-related disorder. Also called: CIC-related condition.

Allele frequency attached by ClinVar (database versions not stated): gnomAD exomes below 0.00001.
gnomAD v4.1: 2 of 1,528,834 alleles (0.00013%); highest among the groups gnomAD compares: East Asian, 0.0024%; no homozygotes.

Submission:

PreventionGenetics, part of Exact Sciences
Classification: Uncertain significance for CIC-related condition. Last evaluated: 2023-04-04. Review status: criteria provided, single submitter. Criteria: ACMG Guidelines, 2015. Collection method: clinical testing. Allele origin: germline.
Comment: The CIC c.4729C>T variant is predicted to result in the amino acid substitution p.Pro1577Ser. To our knowledge, this variant has not been reported in the literature or in a large population database, indicating this variant is rare. At this time, the clinical significance of this variant is uncertain due to the absence of conclusive functional and genetic evidence.